The following is an entry in ClinVar:

ClinVar aggregate classification (germline): Likely pathogenic. Review status: criteria provided, single submitter (1 of 4 stars). 2 submissions from 2 submitters: Likely pathogenic (1). 1 of the submissions does not count toward it. Last evaluated 2023-01-09.

Conditions:
Deficiency of alpha-mannosidase (MANSA). Also called: LYSOSOMAL ALPHA-D-MANNOSIDASE DEFICIENCY; Alpha-Mannosidosis; Mannosidosis, alpha-, types I and II. Identifiers: Orphanet 61, MedGen C0024748, MONDO:0009561, OMIM 248500.

gnomAD v4.1: 1 of 1,571,600 alleles (0.000064%); no homozygotes.

Submissions (2):

Labcorp Genetics (formerly Invitae), Labcorp
Classification: Likely pathogenic for Deficiency of alpha-mannosidase. Last evaluated: 2023-01-09. Review status: criteria provided, single submitter. Criteria: Invitae Variant Classification Sherloc (09022015). Collection method: clinical testing. Allele origin: germline.
Comment: This variant is not present in population databases (gnomAD no frequency). This sequence change affects an acceptor splice site in intron 21 of the MAN2B1 gene. It is expected to disrupt RNA splicing. Variants that disrupt the donor or acceptor splice site typically lead to a loss of protein function (PMID: 16199547), and loss-of-function variants in MAN2B1 are known to be pathogenic (PMID: 9915946, 22161967). In summary, the currently available evidence indicates that the variant is pathogenic, but additional data are needed to prove that conclusively. Therefore, this variant has been classified as Likely Pathogenic. Algorithms developed to predict the effect of sequence changes on RNA splicing suggest that this variant may disrupt the consensus splice site. Disruption of this splice site has been observed in individual(s) with developmental disorder (PMID: 30091983).

Hong-Tao Li Lab, Institute of Brain Science and Brain-inspired Research, Shandong First Medical University & Shandong Academy of Medical Sciences China
Classification: Pathogenic for Deficiency of alpha-mannosidase. Review status: no assertion criteria provided. Collection method: research. Allele origin: germline. Inheritance: Autosomal recessive inheritance. Affected: yes. Observed: 1 variant allele, 1 homozygote. Not counted in ClinVar's aggregate classification.
Comment: Observed in affected individuals from a Pakistani neurodevelopmental-disorder research cohort of 263 individuals. Classification assigned using the ACMG/AMP framework.

Literature cited by the submitters: PubMed 16199547 (cited by Labcorp Genetics (formerly Invitae), Labcorp); PubMed 9915946 (cited by Labcorp Genetics (formerly Invitae), Labcorp); PubMed 22161967 (cited by Labcorp Genetics (formerly Invitae), Labcorp); PubMed 30091983 (cited by Labcorp Genetics (formerly Invitae), Labcorp).

NM_000528.4(MAN2B1):c.2665-2A>G

Gene: MAN2B1 (mannosidase alpha class 2B member 1; minus strand). Cytogenetic location: 19p13.13.
Variant type: single nucleotide variant.
Coding change: c.2665-2A>G on transcript NM_000528.4 (MANE Select); the canonical splice acceptor site of the intron before coding-DNA position 2665, A replaced by G.
Molecular consequence: splice acceptor variant.
Genome position (GRCh38, 1-based): chr19:12,647,600, T>C on the plus strand (A>G on the coding strand, the complement: MAN2B1 is on the minus strand). VCF-style: chr19-12647600-T-C. GRCh37 (hg19) VCF-style: chr19-12758414-T-C.
Other names: c.2662-2A>G (NM_001173498.2).
Identifiers: ClinVar variation 2827243 (VCV002827243.4), dbSNP rs2512485224, ClinGen allele CA404238299.
Genomic context (GRCh38, chr19:12,647,600, plus strand): 5'-CAGCTGGCCAGCGTGAGCAGGTGCACCGAGGGCGGCAGGTCCCTGCGCAGCCCTGAGAAC[T>C]GCGGGAGAGAGGGCGGGGCTGAGTTGGAGAGGGGCGGGGCCTGGATGGAGAAGGGCGGGG-3'